The following is an entry in ClinVar:

ClinVar aggregate classification (germline): Uncertain significance. Review status: criteria provided, multiple submitters, no conflicts (2 of 4 stars). 4 submissions from 4 submitters: Uncertain significance (3). 1 of the submissions does not count toward it. Last evaluated 2024-07-02.

Conditions:
Inborn genetic diseases. Identifiers: MedGen C0950123, MeSH D030342.
Nemaline myopathy 2 (NEM2). Also called: Nemaline myopathy 2, autosomal recessive. Identifiers: MedGen C1850569, MONDO:0009725, OMIM 256030.

Allele frequency attached by ClinVar (database versions not stated): gnomAD 0.00001; gnomAD exomes 0.00001; TOPMed 0.00001.
gnomAD v4.1: 11 of 1,613,874 alleles (0.00068%); highest among the groups gnomAD compares: Non-Finnish European, 0.00093%; no homozygotes.

Submissions (4):

Ambry Genetics
Classification: Uncertain significance for Inborn genetic diseases. Last evaluated: 2024-07-02. Review status: criteria provided, single submitter. Criteria: Ambry Variant Classification Scheme 2023. Collection method: clinical testing. Allele origin: germline.

Labcorp Genetics (formerly Invitae), Labcorp
Classification: Uncertain significance for Nemaline myopathy 2. Last evaluated: 2021-08-30. Review status: criteria provided, single submitter. Criteria: Invitae Variant Classification Sherloc (09022015). Collection method: clinical testing. Allele origin: germline.
Comment: This sequence change replaces phenylalanine with valine at codon 438 of the NEB protein (p.Phe438Val). The phenylalanine residue is moderately conserved and there is a small physicochemical difference between phenylalanine and valine. This variant is not present in population databases (ExAC no frequency). This variant has not been reported in the literature in individuals affected with NEB-related conditions. Algorithms developed to predict the effect of missense changes on protein structure and function are either unavailable or do not agree on the potential impact of this missense change (SIFT: "Deleterious"; PolyPhen-2: "Not Available"; Align-GVGD: "Class C0"). In summary, the available evidence is currently insufficient to determine the role of this variant in disease. Therefore, it has been classified as a Variant of Uncertain Significance.

Revvity Omics, Revvity
Classification: Uncertain significance. Last evaluated: 2019-12-10. Review status: criteria provided, single submitter. Criteria: ACMG Guidelines, 2015. Collection method: clinical testing. Allele origin: germline.

Natera, Inc.
Classification: Uncertain significance for Nemaline myopathy type 2. Last evaluated: 2020-09-29. Review status: no assertion criteria provided. Collection method: clinical testing. Allele origin: germline. Not counted in ClinVar's aggregate classification.

NM_001164508.2(NEB):c.1312T>G (p.Phe438Val)

Gene: NEB (nebulin; minus strand). Cytogenetic location: 2q23.3.
Variant type: single nucleotide variant.
Coding change: c.1312T>G on transcript NM_001164508.2 (MANE Select); coding-DNA position 1312, T replaced by G.
Protein change: p.Phe438Val; replaces phenylalanine 438 with valine.
Molecular consequence: missense variant.
Genome position (GRCh38, 1-based): chr2:151,697,403, A>C on the plus strand (T>G on the coding strand, the complement: NEB is on the minus strand). VCF-style: chr2-151697403-A-C. GRCh37 (hg19) VCF-style: chr2-152553917-A-C.
Other names: c.1312T>G (NM_004543.4); c.1312T>G, p.Phe438Val (NM_001164507.2, NM_001271208.2, NM_004543.5); short protein forms F438V.
Identifiers: ClinVar variation 948214 (VCV000948214.10), dbSNP rs959840049, ClinGen allele CA57677440.